The following is an entry in ClinVar:

ClinVar aggregate classification (germline): Uncertain significance. Review status: criteria provided, multiple submitters, no conflicts (2 of 4 stars). 5 submissions from 5 submitters: Uncertain significance (4). 1 of the submissions does not count toward it. Last evaluated 2025-01-01.

Conditions:
Renal carnitine transport defect (CDSP). Also called: Carnitine transporter deficiency; Carnitine Deficiency, Systemic; Primary carnitine deficiency; Systemic primary carnitine deficiency; CARNITINE DEFICIENCY, SYSTEMIC, DUE TO DEFECT IN RENAL REABSORPTION OF CARNITINE; CARNITINE TRANSPORTER, PLASMA-MEMBRANE, DEFICIENCY OF. Identifiers: Orphanet 158, MedGen C0342788, MONDO:0008919, OMIM 212140.

Allele frequency attached by ClinVar (database versions not stated): gnomAD 0.00001; TOPMed 0.00002; ExAC 0.00008.
gnomAD v4.1: 67 of 1,595,132 alleles (0.0042%); highest among the groups gnomAD compares: East Asian, 0.0068%; no homozygotes.

Submissions (5):

CeGaT Center for Human Genetics Tuebingen
Classification: Uncertain significance. Last evaluated: 2025-01-01. Review status: criteria provided, single submitter. Criteria: CeGaT Center For Human Genetics Tuebingen Variant Classification Criteria Version 2. Collection method: clinical testing. Allele origin: germline. Affected: yes. Observed: 1 variant allele.
Comment: SLC22A5: PM2

Labcorp Genetics (formerly Invitae), Labcorp
Classification: Uncertain significance for Renal carnitine transport defect. Last evaluated: 2022-08-27. Review status: criteria provided, single submitter. Criteria: Invitae Variant Classification Sherloc (09022015). Collection method: clinical testing. Allele origin: germline.
Comment: This sequence change replaces aspartic acid, which is acidic and polar, with histidine, which is basic and polar, at codon 73 of the SLC22A5 protein (p.Asp73His). This variant is present in population databases (rs778137386, gnomAD 0.03%). This variant has not been reported in the literature in individuals affected with SLC22A5-related conditions. ClinVar contains an entry for this variant (Variation ID: 809799). Algorithms developed to predict the effect of missense changes on protein structure and function are either unavailable or do not agree on the potential impact of this missense change (SIFT: "Deleterious"; PolyPhen-2: "Benign"; Align-GVGD: "Class C0"). In summary, the available evidence is currently insufficient to determine the role of this variant in disease. Therefore, it has been classified as a Variant of Uncertain Significance.

Genome-Nilou Lab
Classification: Uncertain significance for Renal carnitine transport defect. Last evaluated: 2021-07-15. Review status: criteria provided, single submitter. Criteria: ACMG Guidelines, 2015. Collection method: clinical testing. Allele origin: germline. Affected: no.

Fulgent Genetics
Classification: Uncertain significance for Renal carnitine transport defect. Last evaluated: 2021-07-11. Review status: criteria provided, single submitter. Criteria: ACMG Guidelines, 2015. Collection method: clinical testing. Allele origin: unknown.

Natera, Inc.
Classification: Uncertain significance for Primary systemic carnitine deficiency. Last evaluated: 2020-09-19. Review status: no assertion criteria provided. Collection method: clinical testing. Allele origin: germline. Not counted in ClinVar's aggregate classification.

NM_003060.4(SLC22A5):c.217G>C (p.Asp73His)

Gene: SLC22A5 (solute carrier family 22 member 5; plus strand). Cytogenetic location: 5q31.1.
Variant type: single nucleotide variant.
Coding change: c.217G>C on transcript NM_003060.4 (MANE Select); coding-DNA position 217, G replaced by C.
Protein change: p.Asp73His; replaces aspartic acid 73 with histidine.
Molecular consequence: missense variant.
Genome position (GRCh38, 1-based): chr5:132,370,189, G>C. VCF-style: chr5-132370189-G-C. GRCh37 (hg19) VCF-style: chr5-131705881-G-C.
Other names: c.217G>C, p.Asp73His (NM_001308122.2); short protein forms D73H.
Identifiers: ClinVar variation 809799 (VCV000809799.48), dbSNP rs778137386, ClinGen allele CA3403813.
Genomic context (GRCh38, chr5:132,370,189, plus strand): 5'-CCGGACGCCGCGAACCTGAGCAGCGCCTGGCGCAACCACACTGTCCCACTGCGGCTGCGG[G>C]ACGGCCGCGAGGTGCCCCACAGCTGCCGCCGCTACCGGCTCGCCACCATCGCCAACTTCT-3'
Protein context (NP_003051.1, residues 63-83): RNHTVPLRLR[Asp73His]GREVPHSCRR